The following is an entry in ClinVar:

NM_004281.4(BAG3):c.470_471insAGC (p.Ala160_Gln161insAla)

Gene: BAG3 (BAG cochaperone 3; plus strand). Cytogenetic location: 10q26.11.
Variant type: Insertion.
Coding change: c.470_471insAGC on transcript NM_004281.4 (MANE Select); coding-DNA positions 470 to 471, AGC inserted.
Protein change: p.Ala160_Gln161insAla.
Genome position: GRCh38 VCF-style: chr10-119670138-G-GGCA. GRCh37 (hg19) VCF-style: chr10-121429650-G-GGCA.
Identifiers: ClinVar variation 3766639 (VCV003766639.1).

ClinVar aggregate classification (germline): Uncertain significance (1 of 4 stars; one submission).

Submission:

ARUP Laboratories, Molecular Genetics and Genomics, ARUP Laboratories
Classification: Uncertain significance. Last evaluated: 2024-05-30. Review status: criteria provided, single submitter. Criteria: ARUP Molecular Germline Variant Investigation Process 2024. Collection method: clinical testing. Allele origin: germline.
Comment: The BAG3 c.470_471insAGC; p.Ala160dup variant, to our knowledge, is not reported in the medical literature or gene specific databases. This variant is also absent from the Genome Aggregation Database (v2.1.1), indicating it is not a common polymorphism. This variant inserts a single alanine residue in string of six consecutive alanines, leaving the rest of the protein in-frame. Another variant leading to in-frame insertion of an alanine residue at this position has been reported in a patient with left ventricular non-compaction (Richard 2019), and variants resulting in the same p.Ala160dup protein change are also reported in ClinVar as either benign/likely benign (ClinVar ID: 44785) or uncertain significance (ClinVar ID: 968812). Due to limited information, the clinical significance of the c.470_471insAGC; p.Ala160dup variant is uncertain at this time. References: Richard P et al. Targeted panel sequencing in adult patients with left ventricular non-compaction reveals a large genetic heterogeneity. Clin Genet. 2019 Mar;95(3):356-367. PMID: 30471092.